The following is an entry in ClinVar:

ClinVar aggregate classification (germline): Uncertain significance (1 of 4 stars; one submission).

gnomAD v4.1: 1 of 1,607,910 alleles (0.000062%); highest among the groups gnomAD compares: Non-Finnish European, 0.000085%; no homozygotes.

Submission:

Labcorp Genetics (formerly Invitae), Labcorp
Classification: Uncertain significance. Last evaluated: 2024-12-08. Review status: criteria provided, single submitter. Criteria: Invitae Variant Classification Sherloc (09022015). Collection method: clinical testing. Allele origin: germline.
Comment: This sequence change replaces valine, which is neutral and non-polar, with glycine, which is neutral and non-polar, at codon 345 of the TCIRG1 protein (p.Val345Gly). This variant is not present in population databases (gnomAD no frequency). This variant has not been reported in the literature in individuals affected with TCIRG1-related conditions. An algorithm developed to predict the effect of missense changes on protein structure and function (PolyPhen-2) suggests that this variant is likely to be disruptive. In summary, the available evidence is currently insufficient to determine the role of this variant in disease. Therefore, it has been classified as a Variant of Uncertain Significance.

NM_006019.4(TCIRG1):c.1034T>G (p.Val345Gly)

Gene: TCIRG1 (T cell immune regulator 1, ATPase H+ transporting V0 subunit a3; plus strand). Cytogenetic location: 11q13.2.
Variant type: single nucleotide variant.
Coding change: c.1034T>G on transcript NM_006019.4 (MANE Select); coding-DNA position 1034, T replaced by G.
Protein change: p.Val345Gly; replaces valine 345 with glycine.
Molecular consequence: missense variant.
Genome position (GRCh38, 1-based): chr11:68,044,971, T>G. VCF-style: chr11-68044971-T-G. GRCh37 (hg19) VCF-style: chr11-67812438-T-G.
Other names: c.140T>G, p.Val47Gly (NM_001351059.2); c.386T>G, p.Val129Gly (NM_006053.4); short protein forms V345G, V129G, V47G.
Identifiers: ClinVar variation 3709972 (VCV003709972.2).
Genomic context (GRCh38, chr11:68,044,971, plus strand): 5'-TGAAGGCCCCCGCCACCGTTCTGGTCTGTCTCTGCCCTGGCACCCAGATGGAGGAGGGAG[T>G]GAGTGCCGTGGCTCACCGCATCCCCTGCCGGGACATGCCCCCCACACTCATCCGCACCAA-3'
Protein context (NP_006010.2, residues 335-355): ALRDSSMEEG[Val345Gly]SAVAHRIPCR